The following is an entry in ClinVar:

ClinVar aggregate classification (germline): Uncertain significance (1 of 4 stars; one submission).

gnomAD v4.1: 1 of 1,614,102 alleles (0.000062%); highest among the groups gnomAD compares: Admixed American, 0.0017%; no homozygotes.

Submission:

GeneDx
Classification: Uncertain significance. Last evaluated: 2024-10-07. Review status: criteria provided, single submitter. Criteria: GeneDx Variant Classification Process June 2021. Collection method: clinical testing. Allele origin: germline. Affected: yes.
Comment: Not observed at significant frequency in large population cohorts (gnomAD); In silico analysis supports that this missense variant has a deleterious effect on protein structure/function; Has not been previously published as pathogenic or benign to our knowledge

NM_015001.3(SPEN):c.10797C>G (p.Phe3599Leu)

Gene: SPEN (spen family transcriptional repressor; plus strand). Cytogenetic location: 1p36.13.
Variant type: single nucleotide variant.
Coding change: c.10797C>G on transcript NM_015001.3 (MANE Select); coding-DNA position 10797, C replaced by G.
Protein change: p.Phe3599Leu; replaces phenylalanine 3599 with leucine.
Molecular consequence: missense variant.
Genome position (GRCh38, 1-based): chr1:15,938,810, C>G. VCF-style: chr1-15938810-C-G. GRCh37 (hg19) VCF-style: chr1-16265305-C-G.
Other names: short protein forms F3599L.
Identifiers: ClinVar variation 3776668 (VCV003776668.1).